The following is an entry in ClinVar:

ClinVar aggregate classification (germline): Pathogenic/Likely pathogenic. Review status: criteria provided, multiple submitters, no conflicts (2 of 4 stars). 6 submissions from 6 submitters: Pathogenic (3); Likely pathogenic (3). Last evaluated 2026-08-12.

Conditions:
FLNC-related disorder. Also called: FLNC-related disorders; FLNC-related condition.
Cardiovascular phenotype. Identifiers: MedGen CN230736.
Hypertrophic cardiomyopathy 26. Also called: Cardiomyopathy, familial hypertrophic, 26. Identifiers: Orphanet 75249, MedGen C4310749, MONDO:0014883, OMIM 617047.
Myofibrillar myopathy 5. Also called: Filaminopathy (type); FILAMINOPATHY, AUTOSOMAL DOMINANT. Identifiers: Orphanet 171445, MedGen C1836050, MONDO:0012289, OMIM 609524.
Distal myopathy with posterior leg and anterior hand involvement. Also called: WILLIAMS DISTAL MYOPATHY. Identifiers: Orphanet 63273, MedGen C3279722, MONDO:0013550, OMIM 614065.

Submissions (6):

Molecular Diagnostic Laboratory for Inherited Cardiovascular Disease, Montreal Heart Institute
Classification: Likely pathogenic for Cardiovascular phenotype. Last evaluated: 2026-08-12. Review status: criteria provided, single submitter. Criteria: ACMG Guidelines, 2015. Collection method: clinical testing. Allele origin: germline. Affected: yes.
Comment: PVS1, PM2

GeneDx
Classification: Pathogenic. Last evaluated: 2025-12-10. Review status: criteria provided, single submitter. Criteria: GeneDx Variant Classification Process June 2021. Collection method: clinical testing. Allele origin: germline.
Comment: Not observed at significant frequency in large population cohorts (gnomAD); Nonsense variant predicted to result in protein truncation or nonsense mediated decay in a gene for which loss of function is a known mechanism of disease; This variant is associated with the following publications: (PMID: 32112656, 28436997, 36264615)

Labcorp Genetics (formerly Invitae), Labcorp
Classification: Pathogenic for Distal myopathy with posterior leg and anterior hand involvement; Myofibrillar myopathy 5; Hypertrophic cardiomyopathy 26. Last evaluated: 2025-07-19. Review status: criteria provided, single submitter. Criteria: Invitae Variant Classification Sherloc (09022015). Collection method: clinical testing. Allele origin: germline.
Comment: This sequence change creates a premature translational stop signal (p.Arg1354*) in the FLNC gene. It is expected to result in an absent or disrupted protein product. Loss-of-function variants in FLNC are known to be pathogenic (PMID: 27908349). This variant is not present in population databases (gnomAD no frequency). This premature translational stop signal has been observed in individual(s) with FLNC-related conditions (PMID: 28436997). ClinVar contains an entry for this variant (Variation ID: 70588). For these reasons, this variant has been classified as Pathogenic.

Petrovsky National Research Centre of Surgery, The Federal Agency for Scientific Organizations
Classification: Likely pathogenic for Hypertrophic cardiomyopathy 26. Last evaluated: 2024-07-15. Review status: criteria provided, single submitter. Criteria: ACMG Guidelines, 2015. Collection method: clinical testing. Allele origin: germline. Inheritance: Autosomal dominant inheritance. Affected: yes. Observed: 1 heterozygote.
Comment: The NM_001458.5:c.4060C>T (p.Arg1354Ter) variant is in The Genome Aggregation Database (gnomAD) v4.1.0 with total MAF 6.209e-7 (Date of access 15-07-2024). Clinvar contains an entry for this variant (Variation ID: 70588). This variant has been reported in an individual affected with dilated cardiomyopathy (PMID: 28436997). Loss-of-function variants in FLNC are known to be pathogenic (PMID: 27908349). In accordance with ACMG (2015) and Variant Interpretation for Dilated Cardiomyopathy (2020) (doi:10.1161/CIRCGEN.119.002480) criteria this variant is classified as Likely Pathogenic with following criteria selected: PM2, PVS1_strong.

Ambry Genetics
Classification: Pathogenic for Cardiovascular phenotype. Last evaluated: 2021-01-05. Review status: criteria provided, single submitter. Criteria: Ambry Variant Classification Scheme 2023. Collection method: clinical testing. Allele origin: germline.
Comment: The p.R1354* pathogenic mutation (also known as c.4060C>T), located in coding exon 23 of the FLNC gene, results from a C to T substitution at nucleotide position 4060. This changes the amino acid from an arginine to a stop codon within coding exon 23. This mutation was reported in an individual with familial dilated cardiomyopathy (Janin A et al. Clin Genet, 2017 Dec;92:616-623). In addition to the clinical data presented in the literature, this alteration is expected to result in loss of function by premature protein truncation or nonsense-mediated mRNA decay. As such, this alteration is interpreted as a disease-causing mutation.

Blueprint Genetics
Classification: Likely pathogenic for FLNC-related disorders. Last evaluated: 2020-07-21. Review status: criteria provided, single submitter. Criteria: ACMG Guidelines, 2015. Collection method: clinical testing. Allele origin: germline. Affected: yes. Observed: 5 variant alleles.

Literature cited by the submitters: PubMed 27908349 (cited by Labcorp Genetics (formerly Invitae), Labcorp); PubMed 28436997 (cited by Labcorp Genetics (formerly Invitae), Labcorp and Ambry Genetics); PubMed 32112656 (cited by Ambry Genetics).

NM_001458.5(FLNC):c.4060C>T (p.Arg1354Ter)

Gene: FLNC (filamin C; plus strand). Cytogenetic location: 7q32.1.
Variant type: single nucleotide variant.
Coding change: c.4060C>T on transcript NM_001458.5 (MANE Select); coding-DNA position 4060, C replaced by T.
Protein change: p.Arg1354Ter; replaces arginine 1354 with a stop codon.
Molecular consequence: nonsense.
Genome position (GRCh38, 1-based): chr7:128,846,396, C>T. VCF-style: chr7-128846396-C-T. GRCh37 (hg19) VCF-style: chr7-128486450-C-T.
Other names: p.Arg1354*; c.4060C>T, p.Arg1354Ter (NM_001127487.2); short protein forms R1354*.
Identifiers: ClinVar variation 70588 (VCV000070588.15), dbSNP rs138193236, ClinGen allele CA166180404.